The following is an entry in ClinVar:

ClinVar aggregate classification (germline): Uncertain significance (1 of 4 stars; one submission).

Submission:

Greenwood Genetic Center Diagnostic Laboratories, Greenwood Genetic Center
Classification: Uncertain significance. Last evaluated: 2023-06-29. Review status: criteria provided, single submitter. Criteria: ACMG Guidelines, 2015. Collection method: clinical testing. Allele origin: germline. Affected: yes.
Comment: PM2

NM_032188.3(KAT8):c.919G>A (p.Glu307Lys)

Gene: KAT8 (lysine acetyltransferase 8; plus strand). Cytogenetic location: 16p11.2.
Variant type: single nucleotide variant.
Coding change: c.919G>A on transcript NM_032188.3 (MANE Select); coding-DNA position 919, G replaced by A.
Protein change: p.Glu307Lys; replaces glutamic acid 307 with lysine.
Molecular consequence: missense variant.
Genome position (GRCh38, 1-based): chr16:31,130,273, G>A. VCF-style: chr16-31130273-G-A. GRCh37 (hg19) VCF-style: chr16-31141594-G-A.
Other names: c.919G>A, p.Glu307Lys (NM_182958.4); short protein forms E307K.
Identifiers: ClinVar variation 2572304 (VCV002572304.1), dbSNP rs2544177906, ClinGen allele CA395677137.